The following is an entry in ClinVar:

ClinVar aggregate classification (germline): Likely benign. Review status: criteria provided, multiple submitters, no conflicts (2 of 4 stars). 3 submissions from 3 submitters: Likely benign (3). Last evaluated 2025-11-04.

Conditions:
Primary ciliary dyskinesia. Also called: Ciliary dyskinesia. Identifiers: Orphanet 244, MedGen C0008780, MONDO:0016575, HP:0012265.
RPGR-related disorder. Also called: RPGR-related condition.

Allele frequency attached by ClinVar (database versions not stated): gnomAD exomes 0.00001; gnomAD 0.00003; 1000 Genomes Project below 0.00001; TOPMed 0.00002; 1000 Genomes Project 30x 0.00021.
gnomAD v4.1: 14 of 1,207,562 alleles (0.0012%); highest among the groups gnomAD compares: Admixed American, 0.026%; no homozygotes.

Submissions (3):

Labcorp Genetics (formerly Invitae), Labcorp
Classification: Likely benign for Primary ciliary dyskinesia. Last evaluated: 2025-11-04. Review status: criteria provided, single submitter. Criteria: Invitae Variant Classification Sherloc (09022015). Collection method: clinical testing. Allele origin: germline.

PreventionGenetics, part of Exact Sciences
Classification: Likely benign for RPGR-related condition. Last evaluated: 2025-05-09. Review status: criteria provided, single submitter. Criteria: ACMG Guidelines, 2015. Collection method: clinical testing. Allele origin: germline.
Comment: This variant is classified as likely benign based on ACMG/AMP sequence variant interpretation guidelines (Richards et al. 2015 PMID: 25741868, with internal and published modifications).

Blueprint Genetics
Classification: Likely benign. Last evaluated: 2022-09-09. Review status: criteria provided, single submitter. Criteria: ACMG Guidelines, 2015. Collection method: clinical testing. Allele origin: germline.

NM_000328.3(RPGR):c.2133C>T (p.Tyr711=)

Gene: RPGR (retinitis pigmentosa GTPase regulator; minus strand). Cytogenetic location: Xp11.4.
Variant type: single nucleotide variant.
Coding change: c.2133C>T on transcript NM_000328.3; coding-DNA position 2133, C replaced by T.
Protein change: p.Tyr711=; no amino-acid change (tyrosine 711 retained).
Molecular consequence: synonymous variant. On other transcripts: non-coding transcript variant (6).
Genome position (GRCh38, 1-based): chrX:38,275,105, G>A on the plus strand (C>T on the coding strand, the complement: RPGR is on the minus strand). VCF-style: chrX-38275105-G-A. GRCh37 (hg19) VCF-style: chrX-38134358-G-A.
Other names: c.2130C>T, p.Tyr710= (NM_001367245.1); c.1947C>T, p.Tyr649= (NM_001367246.1); c.1800C>T, p.Tyr600= (NM_001367247.1); c.1830C>T, p.Tyr610= (NM_001367248.1); c.1797C>T, p.Tyr599= (NM_001367249.1, NM_001367250.1); c.1614C>T, p.Tyr538= (NM_001367251.1).
Identifiers: ClinVar variation 525568 (VCV000525568.13), dbSNP rs779998371, ClinGen allele CA327947430.